The following is an entry in ClinVar:

NM_177438.3(DICER1):c.4060T>A (p.Cys1354Ser)

Gene: DICER1 (dicer 1, ribonuclease III; minus strand). Cytogenetic location: 14q32.13.
Variant type: single nucleotide variant.
Coding change: c.4060T>A on transcript NM_177438.3 (MANE Select); coding-DNA position 4060, T replaced by A.
Protein change: p.Cys1354Ser; replaces cysteine 1354 with serine.
Molecular consequence: missense variant.
Genome position (GRCh38, 1-based): chr14:95,099,926, A>T on the plus strand (T>A on the coding strand, the complement: DICER1 is on the minus strand). VCF-style: chr14-95099926-A-T. GRCh37 (hg19) VCF-style: chr14-95566263-A-T.
Other names: c.4060T>A, p.Cys1354Ser (NM_001195573.1, NM_001271282.3, NM_001291628.2 and 1 more transcripts); short protein forms C1354S.
Identifiers: ClinVar variation 477176 (VCV000477176.18), dbSNP rs749559682, ClinGen allele CA7330944.

ClinVar aggregate classification (germline): Uncertain significance. Review status: criteria provided, multiple submitters, no conflicts (2 of 4 stars). 4 submissions from 4 submitters: Uncertain significance (4). Last evaluated 2025-08-13.

Conditions:
Global developmental delay - lung cysts - overgrowth - Wilms tumor syndrome. Also called: GLOW Syndrome; GLOBAL DEVELOPMENTAL DELAY, LUNG CYSTS, OVERGROWTH, AND WILMS TUMOR. Identifiers: Orphanet 404476, MedGen C4748924, MONDO:0018445, OMIM 618272.
DICER1-related tumor predisposition. Also called: DICER1-related pleuropulmonary blastoma cancer predisposition syndrome; DICER1 syndrome. Identifiers: Orphanet 284343, MedGen C3839822, MONDO:0100216.
Hereditary cancer-predisposing syndrome. Also called: Tumor predisposition; Neoplastic Syndromes, Hereditary; Hereditary Cancer Syndrome; Hereditary neoplastic syndrome. Identifiers: Orphanet 140162, MedGen C0027672, MeSH D009386, MONDO:0015356.

Allele frequency attached by ClinVar (database versions not stated): gnomAD exomes below 0.00001 and 0.00001; ExAC 0.00001; gnomAD 0.00001.
gnomAD v4.1: 7 of 1,613,970 alleles (0.00043%); highest among the groups gnomAD compares: Non-Finnish European, 0.00051%; no homozygotes.

Submissions (4):

Labcorp Genetics (formerly Invitae), Labcorp
Classification: Uncertain significance for DICER1-related tumor predisposition. Last evaluated: 2025-08-13. Review status: criteria provided, single submitter. Criteria: Invitae Variant Classification Sherloc (09022015). Collection method: clinical testing. Allele origin: germline.
Comment: This sequence change replaces cysteine, which is neutral and slightly polar, with serine, which is neutral and polar, at codon 1354 of the DICER1 protein (p.Cys1354Ser). This variant is present in population databases (rs749559682, gnomAD 0.003%). This variant has not been reported in the literature in individuals affected with DICER1-related conditions. ClinVar contains an entry for this variant (Variation ID: 477176). Invitae Evidence Modeling of protein sequence and biophysical properties (such as structural, functional, and spatial information, amino acid conservation, physicochemical variation, residue mobility, and thermodynamic stability) indicates that this missense variant is not expected to disrupt DICER1 protein function with a negative predictive value of 95%. In summary, the available evidence is currently insufficient to determine the role of this variant in disease. Therefore, it has been classified as a Variant of Uncertain Significance.

Quest Diagnostics Nichols Institute San Juan Capistrano
Classification: Uncertain significance. Last evaluated: 2025-04-10. Review status: criteria provided, single submitter. Criteria: Quest Diagnostics criteria. Collection method: clinical testing. Allele origin: unknown.
Comment: The DICER1 c.4060T>A (p.Cys1354Ser) variant has not been reported in individuals with DICER1-related conditions in the published literature. The frequency of this variant in the general population (Genome Aggregation Database) is uninformative in the assessment of its pathogenicity. Analysis of this variant using bioinformatics tools for the prediction of the effect of amino acid changes on protein structure and function yielded conflicting predictions that this variant is deleterious or benign. Based on the available information, we are unable to determine the clinical significance of this variant.

Ambry Genetics
Classification: Uncertain significance for Hereditary cancer-predisposing syndrome. Last evaluated: 2024-10-28. Review status: criteria provided, single submitter. Criteria: Ambry Variant Classification Scheme 2023. Collection method: clinical testing. Allele origin: germline.
Comment: The p.C1354S variant (also known as c.4060T>A), located in coding exon 21 of the DICER1 gene, results from a T to A substitution at nucleotide position 4060. The cysteine at codon 1354 is replaced by serine, an amino acid with dissimilar properties. This amino acid position is highly conserved in available vertebrate species. In addition, this alteration is predicted to be deleterious by in silico analysis. Since supporting evidence is limited at this time, the clinical significance of this alteration remains unclear.

Baylor Genetics
Classification: Uncertain significance for Global developmental delay - lung cysts - overgrowth - Wilms tumor syndrome. Last evaluated: 2023-08-11. Review status: criteria provided, single submitter. Criteria: ACMG Guidelines, 2015. Collection method: clinical testing. Allele origin: unknown.